The following is an entry in ClinVar:

NM_017841.4(SDHAF2):c.293C>A (p.Thr98Lys)

Gene: SDHAF2 (succinate dehydrogenase complex assembly factor 2; plus strand). Cytogenetic location: 11q12.2.
Variant type: single nucleotide variant.
Coding change: c.293C>A on transcript NM_017841.4 (MANE Select); coding-DNA position 293, C replaced by A.
Protein change: p.Thr98Lys; replaces threonine 98 with lysine.
Molecular consequence: missense variant.
Genome position (GRCh38, 1-based): chr11:61,438,036, C>A. VCF-style: chr11-61438036-C-A. GRCh37 (hg19) VCF-style: chr11-61205508-C-A.
Other names: short protein forms T98K.
Identifiers: ClinVar variation 3438744 (VCV003438744.1).
Genomic context (GRCh38, chr11:61,438,036, plus strand): 5'-TTTTTCTTTTTTTCTTTCTTGTTTTTAGTCTTTTTGCTAAAGAACATCTGCAGCACATGA[C>A]AGAAAAGCAGCTGAACCTCTATGACCGCCTGATTAACGAGCCTAGTAATGACTGGGATAT-3'
Protein context (NP_060311.1, residues 88-108): LFAKEHLQHM[Thr98Lys]EKQLNLYDRL

ClinVar aggregate classification (germline): Uncertain significance (1 of 4 stars; one submission).

Conditions:
Hereditary cancer-predisposing syndrome. Also called: Tumor predisposition; Neoplastic Syndromes, Hereditary; Hereditary neoplastic syndrome; Hereditary Cancer Syndrome. Identifiers: Orphanet 140162, MedGen C0027672, MeSH D009386, MONDO:0015356.

Submission:

Ambry Genetics
Classification: Uncertain significance for Hereditary cancer-predisposing syndrome. Last evaluated: 2024-12-07. Review status: criteria provided, single submitter. Criteria: Ambry Variant Classification Scheme 2023. Collection method: clinical testing. Allele origin: germline.
Comment: The p.T98K variant (also known as c.293C>A), located in coding exon 3 of the SDHAF2 gene, results from a C to A substitution at nucleotide position 293. The threonine at codon 98 is replaced by lysine, an amino acid with similar properties. This amino acid position is conserved. In addition, the in silico prediction for this alteration is inconclusive. Based on the available evidence, the clinical significance of this variant remains unclear.